The following is an entry in ClinVar:

NM_023067.4(FOXL2):c.879T>C (p.His293=)

Gene: FOXL2 (forkhead box L2; minus strand). Cytogenetic location: 3q22.3.
Variant type: single nucleotide variant.
Coding change: c.879T>C on transcript NM_023067.4 (MANE Select); coding-DNA position 879, T replaced by C.
Protein change: p.His293=; no amino-acid change (histidine 293 retained).
Molecular consequence: synonymous variant.
Genome position (GRCh38, 1-based): chr3:138,945,844, A>G on the plus strand (T>C on the coding strand, the complement: FOXL2 is on the minus strand). VCF-style: chr3-138945844-A-G. GRCh37 (hg19) VCF-style: chr3-138664686-A-G.
Identifiers: ClinVar variation 4981841 (VCV004981841.1).

ClinVar aggregate classification (germline): Likely benign (1 of 4 stars; one submission).

Conditions:
FOXL2-related disorder. Also called: FOXL2-related condition.

Submission:

PreventionGenetics, part of Exact Sciences
Classification: Likely benign for FOXL2-related condition. Last evaluated: 2026-07-09. Review status: criteria provided, single submitter. Criteria: ACMG Guidelines, 2015. Collection method: clinical testing. Allele origin: germline.
Comment: This variant is classified as likely benign based on ACMG/AMP sequence variant interpretation guidelines (Richards et al. 2015 PMID: 25741868, with internal and published modifications).